The following is an entry in ClinVar:

ClinVar aggregate classification (germline): Uncertain significance (1 of 4 stars; one submission).

Conditions:
Familial thoracic aortic aneurysm and aortic dissection (TAAD). Also called: Thoracic aortic aneurysms and dissections. Identifiers: Orphanet 91387, MedGen C4707243, MONDO:0019625.

gnomAD v4.1: 1 of 1,613,480 alleles (0.000062%); highest among the groups gnomAD compares: Non-Finnish European, 0.000085%; no homozygotes.

Submission:

Ambry Genetics
Classification: Uncertain significance for Familial thoracic aortic aneurysm and aortic dissection. Last evaluated: 2026-03-29. Review status: criteria provided, single submitter. Criteria: Ambry Variant Classification Scheme 2023. Collection method: clinical testing. Allele origin: germline.
Comment: The p.A1738V variant (also known as c.5213C>T), located in coding exon 65 of the COL5A1 gene, results from a C to T substitution at nucleotide position 5213. The alanine at codon 1738 is replaced by valine, an amino acid with similar properties. This amino acid position is conserved. In addition, the in silico prediction for this alteration is inconclusive. Based on the available evidence, the clinical significance of this variant remains unclear.

NM_000093.5(COL5A1):c.5213C>T (p.Ala1738Val)

Genes: COL5A1 (collagen type V alpha 1 chain; plus strand), LOC101448202 (uncharacterized LOC101448202; minus strand). Cytogenetic location: 9q34.3.
Variant type: single nucleotide variant.
Coding change: c.5213C>T on transcript NM_000093.5 (MANE Select); coding-DNA position 5213, C replaced by T.
Protein change: p.Ala1738Val; replaces alanine 1738 with valine.
Molecular consequence: missense variant.
Genome position (GRCh38, 1-based): chr9:134,835,047, C>T. VCF-style: chr9-134835047-C-T. GRCh37 (hg19) VCF-style: chr9-137726893-C-T.
Other names: c.5213C>T, p.Ala1738Val (NM_001278074.1); short protein forms A1738V.
Identifiers: ClinVar variation 4869235 (VCV004869235.1).